The following is an entry in ClinVar:

NM_144573.4(NEXN):c.1549T>G (p.Phe517Val)

Gene: NEXN (nexilin F-actin binding protein; plus strand). Cytogenetic location: 1p31.1.
Variant type: single nucleotide variant.
Coding change: c.1549T>G on transcript NM_144573.4 (MANE Select); coding-DNA position 1549, T replaced by G.
Protein change: p.Phe517Val; replaces phenylalanine 517 with valine.
Molecular consequence: missense variant.
Genome position (GRCh38, 1-based): chr1:77,942,098, T>G. VCF-style: chr1-77942098-T-G. GRCh37 (hg19) VCF-style: chr1-78407783-T-G.
Other names: c.1357T>G, p.Phe453Val (NM_001172309.2); short protein forms F453V, F517V.
Identifiers: ClinVar variation 2290866 (VCV002290866.3), dbSNP rs1375240177, ClinGen allele CA340880986.

ClinVar aggregate classification (germline): Uncertain significance (1 of 4 stars; one submission).

Conditions:
Cardiovascular phenotype. Identifiers: MedGen CN230736.

Allele frequency attached by ClinVar (database versions not stated): TOPMed 0.00002.

Submission:

Ambry Genetics
Classification: Uncertain significance for Cardiovascular phenotype. Last evaluated: 2025-09-07. Review status: criteria provided, single submitter. Criteria: Ambry Variant Classification Scheme 2023. Collection method: clinical testing. Allele origin: germline.
Comment: The p.F517V variant (also known as c.1549T>G), located in coding exon 11 of the NEXN gene, results from a T to G substitution at nucleotide position 1549. The phenylalanine at codon 517 is replaced by valine, an amino acid with highly similar properties. This amino acid position is conserved. In addition, the in silico prediction for this alteration is inconclusive. Based on the available evidence, the clinical significance of this variant remains unclear.